The following is an entry in ClinVar:

NM_172107.4(KCNQ2):c.1831G>A (p.Ala611Thr)

Gene: KCNQ2 (potassium voltage-gated channel subfamily Q member 2; minus strand). Cytogenetic location: 20q13.33.
Variant type: single nucleotide variant.
Coding change: c.1831G>A on transcript NM_172107.4 (MANE Select); coding-DNA position 1831, G replaced by A.
Protein change: p.Ala611Thr; replaces alanine 611 with threonine.
Molecular consequence: missense variant.
Genome position (GRCh38, 1-based): chr20:63,408,469, C>T on the plus strand (G>A on the coding strand, the complement: KCNQ2 is on the minus strand). VCF-style: chr20-63408469-C-T. GRCh37 (hg19) VCF-style: chr20-62039822-C-T.
Other names: c.1885G>A, p.Ala629Thr (NM_001382235.1); c.1774G>A, p.Ala592Thr (NM_001439003.1); c.1744G>A, p.Ala582Thr (NM_001439004.1); c.1747G>A, p.Ala583Thr (NM_004518.6); c.1777G>A, p.Ala593Thr (NM_172106.3); c.1738G>A, p.Ala580Thr (NM_172108.5); short protein forms A580T, A582T, A583T, A592T, A593T, A611T, A629T.
Identifiers: ClinVar variation 4811095 (VCV004811095.1).

ClinVar aggregate classification (germline): Uncertain significance (1 of 4 stars; one submission).

Conditions:
Early-infantile DEE. Also called: Early infantile epileptic encephalopathy with suppression bursts; Early infantile epileptic encephalopathy; Ohtahara syndrome. Identifiers: Orphanet 1934, MedGen C0393706, MONDO:0800491.

gnomAD v4.1: 10 of 1,608,118 alleles (0.00062%); highest among the groups gnomAD compares: South Asian, 0.0033%; no homozygotes.

Submission:

Labcorp Genetics (formerly Invitae), Labcorp
Classification: Uncertain significance for Early-infantile DEE. Last evaluated: 2025-04-17. Review status: criteria provided, single submitter. Criteria: Invitae Variant Classification Sherloc (09022015). Collection method: clinical testing. Allele origin: germline.
Comment: This sequence change replaces alanine, which is neutral and non-polar, with threonine, which is neutral and polar, at codon 611 of the KCNQ2 protein (p.Ala611Thr). This variant is present in population databases (rs761188359, gnomAD 0.007%). This variant has not been reported in the literature in individuals affected with KCNQ2-related conditions. Invitae Evidence Modeling of protein sequence and biophysical properties (such as structural, functional, and spatial information, amino acid conservation, physicochemical variation, residue mobility, and thermodynamic stability) indicates that this missense variant is not expected to disrupt KCNQ2 protein function with a negative predictive value of 95%. In summary, the available evidence is currently insufficient to determine the role of this variant in disease. Therefore, it has been classified as a Variant of Uncertain Significance.